The following is an entry in ClinVar:

ClinVar aggregate classification (germline): Benign. Review status: criteria provided, multiple submitters, no conflicts (2 of 4 stars). 7 submissions from 7 submitters: Benign (5). 2 of the submissions do not count toward it. Last evaluated 2021-07-15.

Conditions:
Inborn genetic diseases. Identifiers: MedGen C0950123, MeSH D030342.
Phelan-McDermid syndrome. Also called: Phelan-McDermid Syndrome-SHANK3 Related; TELOMERIC 22q13 MONOSOMY SYNDROME; 22q13.3 deletion syndrome. Identifiers: Orphanet 48652, MedGen C1853490, MONDO:0011652, OMIM 606232.

Allele frequency attached by ClinVar (database versions not stated): 1000 Genomes Project 0.34325; 1000 Genomes Project 30x 0.34369; gnomAD exomes 0.42682 and 0.48828; TOPMed 0.45113; gnomAD 0.45833 and 0.46763; ESP Exome Variant Server 0.47998; ExAC 0.51155.

Submissions (7):

Genome-Nilou Lab
Classification: Benign for Phelan-McDermid syndrome. Last evaluated: 2021-07-15. Review status: criteria provided, single submitter. Criteria: ACMG Guidelines, 2015. Collection method: clinical testing. Allele origin: germline. Affected: no.

GeneDx
Classification: Benign. Last evaluated: 2018-07-31. Review status: criteria provided, single submitter. Criteria: GeneDx Variant Classification Process June 2021. Collection method: clinical testing. Allele origin: germline. Affected: yes.

Laboratory for Molecular Medicine, Mass General Brigham Personalized Medicine
Classification: Benign. Last evaluated: 2016-03-29. Review status: criteria provided, single submitter. Criteria: LMM Criteria. Collection method: clinical testing. Allele origin: germline.
Comment: Variant identified in a genome or exome case(s) and assessed due to predicted null impact of the variant or pathogenic assertions in the literature or databases. Disclaimer: This variant has not undergone full assessment. The following are preliminary notes: 51% of total chromosomes in ExAC

Ambry Genetics
Classification: Benign for Inborn genetic diseases. Last evaluated: 2016-03-23. Review status: criteria provided, single submitter. Criteria: Ambry Variant Classification Scheme 2023. Collection method: clinical testing. Allele origin: germline.

Breakthrough Genomics
Classification: Benign. Review status: criteria provided, single submitter. Criteria: ACMG Guidelines, 2015. Collection method: not provided. Allele origin: germline. Inheritance: Autosomal dominant inheritance. Affected: yes.

Clinical Genetics, Academic Medical Center
Classification: Benign. Review status: no assertion criteria provided. Collection method: clinical testing. Allele origin: germline. Affected: yes. Study: VKGL Data-share Consensus. Not counted in ClinVar's aggregate classification.

Diagnostic Laboratory, Department of Genetics, University Medical Center Groningen
Classification: Benign. Review status: no assertion criteria provided. Collection method: clinical testing. Allele origin: germline. Affected: yes. Study: VKGL Data-share Consensus. Not counted in ClinVar's aggregate classification.

NM_001372044.2(SHANK3):c.959T>C (p.Ile320Thr)

Gene: SHANK3 (SH3 and multiple ankyrin repeat domains 3; plus strand). Cytogenetic location: 22q13.33.
Variant type: single nucleotide variant.
Coding change: c.959T>C on transcript NM_001372044.2 (MANE Select); coding-DNA position 959, T replaced by C.
Protein change: p.Ile320Thr; replaces isoleucine 320 with threonine.
Molecular consequence: missense variant.
Genome position (GRCh38, 1-based): chr22:50,679,152, T>C. VCF-style: chr22-50679152-T-C. GRCh37 (hg19) VCF-style: chr22-51117580-T-C.
Other names: c.734T>C, p.Ile245Thr (NM_033517.1); short protein forms I245T, I320T.
Identifiers: ClinVar variation 403431 (VCV000403431.16), dbSNP rs9616915, ClinGen allele CA10325308.